The following is an entry in ClinVar:

ClinVar aggregate classification (germline): Uncertain significance (1 of 4 stars; one submission).

Conditions:
PRKACB-related disorder. Also called: PRKACB-related condition.

Submission:

PreventionGenetics, part of Exact Sciences
Classification: Uncertain significance for PRKACB-related condition. Last evaluated: 2026-09-04. Review status: criteria provided, single submitter. Criteria: ACMG Guidelines, 2015. Collection method: clinical testing. Allele origin: germline.
Comment: The PRKACB c.5G>A variant is predicted to result in the amino acid substitution p.Gly2Glu. To our knowledge, this variant has not been reported in the literature or in a large population database (gnomAD), indicating this variant is rare. At this time, the clinical significance of this variant is uncertain due to the absence of conclusive functional and genetic evidence.

NM_182948.4(PRKACB):c.188-14760G>A

Gene: PRKACB (protein kinase cAMP-activated catalytic subunit beta; plus strand). Cytogenetic location: 1p31.1.
Variant type: single nucleotide variant.
Coding change: c.188-14760G>A on transcript NM_182948.4 (MANE Select); 14760 bases into the intron before coding-DNA position 188, G replaced by A.
Molecular consequence: intron variant. On other transcripts: missense variant (10).
Genome position (GRCh38, 1-based): chr1:84,164,417, G>A. VCF-style: chr1-84164417-G-A. GRCh37 (hg19) VCF-style: chr1-84630100-G-A.
Other names: c.5G>A, p.Gly2Glu (NM_001242857.3, NM_001242858.3, NM_001242859.3 and 7 more transcripts); c.47-14760G>A (NM_002731.4, NM_001375576.1, NM_207578.3); c.188-14760G>A (NM_001300916.2); short protein forms G2E.
Identifiers: ClinVar variation 3350164 (VCV003350164.2).